The following is an entry in ClinVar:

NM_025009.5(CEP135):c.1744A>G (p.Met582Val)

Gene: CEP135 (centrosomal protein 135; plus strand). Cytogenetic location: 4q12.
Variant type: single nucleotide variant.
Coding change: c.1744A>G on transcript NM_025009.5 (MANE Select); coding-DNA position 1744, A replaced by G.
Protein change: p.Met582Val; replaces methionine 582 with valine.
Molecular consequence: missense variant.
Genome position (GRCh38, 1-based): chr4:55,981,344, A>G. VCF-style: chr4-55981344-A-G. GRCh37 (hg19) VCF-style: chr4-56847510-A-G.
Other names: short protein forms M582V.
Identifiers: ClinVar variation 128695 (VCV000128695.9), dbSNP rs144041768, ClinGen allele CA231010.

ClinVar aggregate classification (germline): Conflicting classifications of pathogenicity. Review status: criteria provided, conflicting classifications (1 of 4 stars). 3 submissions from 3 submitters: Uncertain significance (2); Likely benign (1). Last evaluated 2022-05-14.

Conditions:
Inborn genetic diseases. Identifiers: MedGen C0950123, MeSH D030342.

Allele frequency attached by ClinVar (database versions not stated): 1000 Genomes Project 30x 0.00016; ExAC 0.00020; gnomAD exomes 0.00027 and 0.00119; TOPMed 0.00031; gnomAD 0.00033 and 0.00034; ESP Exome Variant Server 0.00046.
gnomAD v4.1: 1,702 of 1,585,744 alleles (0.11%); highest among the groups gnomAD compares: Non-Finnish European, 0.14%; 1 homozygote.

Submissions (3):

Ambry Genetics
Classification: Likely benign for Inborn genetic diseases. Last evaluated: 2022-05-14. Review status: criteria provided, single submitter. Criteria: Ambry Variant Classification Scheme 2023. Collection method: clinical testing. Allele origin: germline.

Labcorp Genetics (formerly Invitae), Labcorp
Classification: Uncertain significance. Last evaluated: 2022-04-23. Review status: criteria provided, single submitter. Criteria: Invitae Variant Classification Sherloc (09022015). Collection method: clinical testing. Allele origin: germline.
Comment: This sequence change replaces methionine, which is neutral and non-polar, with valine, which is neutral and non-polar, at codon 582 of the CEP135 protein (p.Met582Val). This variant is present in population databases (rs144041768, gnomAD 0.05%). This variant has not been reported in the literature in individuals affected with CEP135-related conditions. ClinVar contains an entry for this variant (Variation ID: 128695). Algorithms developed to predict the effect of missense changes on protein structure and function (SIFT, PolyPhen-2, Align-GVGD) all suggest that this variant is likely to be tolerated. In summary, the available evidence is currently insufficient to determine the role of this variant in disease. Therefore, it has been classified as a Variant of Uncertain Significance.

Genetic Services Laboratory, University of Chicago
Classification: Uncertain significance. Last evaluated: 2014-01-16. Review status: criteria provided, single submitter. Criteria: ACMG Guidelines, 2007. Collection method: clinical testing. Allele origin: germline. Inheritance: Autosomal recessive inheritance.